The following is an entry in ClinVar:

NM_015047.3(EMC1):c.2024A>G (p.Asp675Gly)

Genes: EMC1 (ER membrane protein complex subunit 1; minus strand), EMC1-AS1 (EMC1 antisense RNA 1; plus strand). Cytogenetic location: 1p36.13.
Variant type: single nucleotide variant.
Coding change: c.2024A>G on transcript NM_015047.3 (MANE Select); coding-DNA position 2024, A replaced by G.
Protein change: p.Asp675Gly; replaces aspartic acid 675 with glycine.
Molecular consequence: missense variant.
Genome position (GRCh38, 1-based): chr1:19,230,884, T>C on the plus strand (A>G on the coding strand, the complement: EMC1 is on the minus strand). VCF-style: chr1-19230884-T-C. GRCh37 (hg19) VCF-style: chr1-19557378-T-C.
Other names: c.2021A>G, p.Asp674Gly (NM_001271427.2, NM_001271428.2); c.1958A>G, p.Asp653Gly (NM_001271429.2); c.2033A>G, p.Asp678Gly (NM_001375820.1); c.2030A>G, p.Asp677Gly (NM_001375821.1); c.2024A>G (NM_015047.1); short protein forms D653G, D677G, D674G, D675G, D678G.
Identifiers: ClinVar variation 1386966 (VCV001386966.7), dbSNP rs2093516039, ClinGen allele CA338758465.
Genomic context (GRCh38, chr1:19,230,884, plus strand): 5'-GCCAGGACATGCCTTCCTACCTTTCGAAGCCGATATCCACACAGCCGTCCCTGCTCTGCA[T>C]CCACCAAATAGAAGAAGATGGAAGGGGCAAGCTCATGTAGCTGTCGCAAGACATTCCGAG-3'
Protein context (NP_055862.1, residues 665-685): LAPSIFFYLV[Asp675Gly]AEQGRLCGYR

ClinVar aggregate classification (germline): Uncertain significance. Review status: criteria provided, multiple submitters, no conflicts (2 of 4 stars). 2 submissions from 2 submitters: Uncertain significance (2). Last evaluated 2025-08-23.

Conditions:
Inborn genetic diseases. Identifiers: MedGen C0950123, MeSH D030342.

Allele frequency attached by ClinVar (database versions not stated): TOPMed 0.00001.

Submissions (2):

Ambry Genetics
Classification: Uncertain significance for Inborn genetic diseases. Last evaluated: 2025-08-23. Review status: criteria provided, single submitter. Criteria: Ambry Variant Classification Scheme 2023. Collection method: clinical testing. Allele origin: germline.

Labcorp Genetics (formerly Invitae), Labcorp
Classification: Uncertain significance. Last evaluated: 2023-11-24. Review status: criteria provided, single submitter. Criteria: Invitae Variant Classification Sherloc (09022015). Collection method: clinical testing. Allele origin: germline.
Comment: This sequence change replaces aspartic acid, which is acidic and polar, with glycine, which is neutral and non-polar, at codon 675 of the EMC1 protein (p.Asp675Gly). This variant is not present in population databases (gnomAD no frequency). This variant has not been reported in the literature in individuals affected with EMC1-related conditions. ClinVar contains an entry for this variant (Variation ID: 1386966). Advanced modeling of protein sequence and biophysical properties (such as structural, functional, and spatial information, amino acid conservation, physicochemical variation, residue mobility, and thermodynamic stability) performed at Invitae indicates that this missense variant is expected to disrupt EMC1 protein function with a positive predictive value of 80%. In summary, the available evidence is currently insufficient to determine the role of this variant in disease. Therefore, it has been classified as a Variant of Uncertain Significance.